The following is an entry in ClinVar:

NM_017514.5(PLXNA3):c.4880A>C (p.Lys1627Thr)

Gene: PLXNA3 (plexin A3; plus strand). Cytogenetic location: Xq28.
Variant type: single nucleotide variant.
Coding change: c.4880A>C on transcript NM_017514.5 (MANE Select); coding-DNA position 4880, A replaced by C.
Protein change: p.Lys1627Thr; replaces lysine 1627 with threonine.
Molecular consequence: missense variant.
Genome position (GRCh38, 1-based): chrX:154,470,061, A>C. VCF-style: chrX-154470061-A-C. GRCh37 (hg19) VCF-style: chrX-153698404-A-C.
Other names: short protein forms K1627T.
Identifiers: ClinVar variation 3345257 (VCV003345257.1).
Genomic context (GRCh38, chrX:154,470,061, plus strand): 5'-GCCCTGATAGCCTCCGCTCACGGGCACCCATGATTACGCCTGACCAGGAGACAGGCACCA[A>C]ATTGTGGCACCTGGTGAAAAACCACGACCATGCCGACCATCGCGAGGGGGACCGTGGCAG-3'
Protein context (NP_059984.3, residues 1617-1637): MITPDQETGT[Lys1627Thr]LWHLVKNHDH

ClinVar aggregate classification (germline): Uncertain significance (0 of 4 stars; one submission).

Conditions:
PLXNA3-related disorder. Also called: PLXNA3-related condition.

gnomAD v4.1: 6 of 1,209,617 alleles (0.0005%); highest among the groups gnomAD compares: Non-Finnish European, 0.00056%; no homozygotes.

Submission:

PreventionGenetics, part of Exact Sciences
Classification: Uncertain significance for PLXNA3-related condition. Last evaluated: 2024-05-19. Review status: no assertion criteria provided. Collection method: clinical testing. Allele origin: germline.
Comment: The PLXNA3 c.4880A>C variant is predicted to result in the amino acid substitution p.Lys1627Thr. To our knowledge, this variant has not been reported in the literature. This variant is reported in 0.0012% of alleles in individuals of European (Non-Finnish) descent in gnomAD. At this time, the clinical significance of this variant is uncertain due to the absence of conclusive functional and genetic evidence.